The following is an entry in ClinVar:

NM_000321.3(RB1):c.49G>T (p.Ala17Ser)

Gene: RB1 (RB transcriptional corepressor 1; plus strand). Cytogenetic location: 13q14.2.
Variant type: single nucleotide variant.
Coding change: c.49G>T on transcript NM_000321.3 (MANE Select); coding-DNA position 49, G replaced by T.
Protein change: p.Ala17Ser; replaces alanine 17 with serine.
Molecular consequence: missense variant.
Genome position (GRCh38, 1-based): chr13:48,303,961, G>T. VCF-style: chr13-48303961-G-T. GRCh37 (hg19) VCF-style: chr13-48878097-G-T.
Other names: c.49G>T, p.Ala17Ser (NM_001407165.1, NM_001407166.1, NM_001407167.1); short protein forms A17S.
Identifiers: ClinVar variation 1744672 (VCV001744672.3), dbSNP rs1566174092, ClinGen allele CA388250224.

ClinVar aggregate classification (germline): Uncertain significance. Review status: criteria provided, multiple submitters, no conflicts (2 of 4 stars). 2 submissions from 2 submitters: Uncertain significance (2). Last evaluated 2025-08-18.

Conditions:
Hereditary cancer-predisposing syndrome. Also called: Hereditary Cancer Syndrome; Neoplastic Syndromes, Hereditary; Tumor predisposition; Hereditary neoplastic syndrome. Identifiers: Orphanet 140162, MedGen C0027672, MeSH D009386, MONDO:0015356.
Retinoblastoma (RB1). Also called: RETINOBLASTOMA, SOMATIC. Identifiers: Orphanet 790, MedGen C0035335, MeSH D012175, MONDO:0008380, OMIM 180200, HP:0009919. Disease mechanism: loss of function. Inheritance: Both sporadic and heritable forms are tested..

Submissions (2):

Labcorp Genetics (formerly Invitae), Labcorp
Classification: Uncertain significance for Retinoblastoma. Last evaluated: 2025-08-18. Review status: criteria provided, single submitter. Criteria: Invitae Variant Classification Sherloc (09022015). Collection method: clinical testing. Allele origin: germline.
Comment: This sequence change replaces alanine, which is neutral and non-polar, with serine, which is neutral and polar, at codon 17 of the RB1 protein (p.Ala17Ser). This variant is not present in population databases (gnomAD no frequency). This variant has not been reported in the literature in individuals affected with RB1-related conditions. ClinVar contains an entry for this variant (Variation ID: 1744672). An algorithm developed to predict the effect of missense changes on protein structure and function outputs the following: PolyPhen-2: "Not Available". The serine amino acid residue is found in multiple mammalian species, which suggests that this missense change does not adversely affect protein function. In summary, the available evidence is currently insufficient to determine the role of this variant in disease. Therefore, it has been classified as a Variant of Uncertain Significance.

Ambry Genetics
Classification: Uncertain significance for Hereditary cancer-predisposing syndrome. Last evaluated: 2022-05-21. Review status: criteria provided, single submitter. Criteria: Ambry Variant Classification Scheme 2023. Collection method: clinical testing. Allele origin: germline.
Comment: The p.A17S variant (also known as c.49G>T), located in coding exon 1 of the RB1 gene, results from a G to T substitution at nucleotide position 49. The alanine at codon 17 is replaced by serine, an amino acid with similar properties. This amino acid position is conserved. In addition, the in silico prediction for this alteration is inconclusive. Since supporting evidence is limited at this time, the clinical significance of this alteration remains unclear.